The following is an entry in ClinVar:

ClinVar aggregate classification (germline): Conflicting classifications of pathogenicity. Review status: criteria provided, conflicting classifications (1 of 4 stars). 3 submissions from 3 submitters: Uncertain significance (2); Benign (1). Last evaluated 2025-07-14.

Conditions:
Adams-Oliver syndrome 5 (AOS5). Identifiers: Orphanet 974, MedGen C4014970, MONDO:0014459, OMIM 616028.
Familial thoracic aortic aneurysm and aortic dissection (TAAD). Also called: Thoracic aortic aneurysms and dissections. Identifiers: Orphanet 91387, MedGen C4707243, MONDO:0019625.

Allele frequency attached by ClinVar (database versions not stated): gnomAD exomes below 0.00001; TOPMed below 0.00001.
gnomAD v4.1: 2 of 1,613,112 alleles (0.00012%); highest among the groups gnomAD compares: Admixed American, 0.0033%; no homozygotes.

Submissions (3):

Labcorp Genetics (formerly Invitae), Labcorp
Classification: Benign for Adams-Oliver syndrome 5. Last evaluated: 2025-07-14. Review status: criteria provided, single submitter. Criteria: Invitae Variant Classification Sherloc (09022015). Collection method: clinical testing. Allele origin: germline.

GeneDx
Classification: Uncertain significance. Last evaluated: 2024-01-08. Review status: criteria provided, single submitter. Criteria: GeneDx Variant Classification Process June 2021. Collection method: clinical testing. Allele origin: germline. Affected: yes.
Comment: Not observed at significant frequency in large population cohorts (gnomAD); In silico analysis supports that this missense variant has a deleterious effect on protein structure/function; Has not been previously published as pathogenic or benign to our knowledge

Ambry Genetics
Classification: Uncertain significance for Familial thoracic aortic aneurysm and aortic dissection. Last evaluated: 2021-09-09. Review status: criteria provided, single submitter. Criteria: Ambry Variant Classification Scheme 2023. Collection method: clinical testing. Allele origin: germline.
Comment: The p.T968A variant (also known as c.2902A>G), located in coding exon 18 of the NOTCH1 gene, results from an A to G substitution at nucleotide position 2902. The threonine at codon 968 is replaced by alanine, an amino acid with similar properties. This amino acid position is conserved. In addition, the in silico prediction for this alteration is inconclusive. Since supporting evidence is limited at this time, the clinical significance of this alteration remains unclear.

NM_017617.5(NOTCH1):c.2902A>G (p.Thr968Ala)

Gene: NOTCH1 (notch receptor 1; minus strand). Cytogenetic location: 9q34.3.
Variant type: single nucleotide variant.
Coding change: c.2902A>G on transcript NM_017617.5 (MANE Select); coding-DNA position 2902, A replaced by G.
Protein change: p.Thr968Ala; replaces threonine 968 with alanine.
Molecular consequence: missense variant.
Genome position (GRCh38, 1-based): chr9:136,509,800, T>C on the plus strand (A>G on the coding strand, the complement: NOTCH1 is on the minus strand). VCF-style: chr9-136509800-T-C. GRCh37 (hg19) VCF-style: chr9-139404252-T-C.
Other names: short protein forms T968A.
Identifiers: ClinVar variation 1797467 (VCV001797467.8), dbSNP rs1382743269, ClinGen allele CA375553581.
Genomic context (GRCh38, chr9:136,509,800, plus strand): 5'-TGCAGTCAGGCGTGTTGTTCTCACAGTGGATCCCGCTGAAGCCTGCGGGGCAGGTGCACG[T>C]GTAGCTGTCCACGCAGTCCGTGCAGTTGGCCCCGTTGCGGCAGGGGTCACTGGCACACTC-3'
Protein context (NP_060087.3, residues 958-978): ANCTDCVDSY[Thr968Ala]CTCPAGFSGI